The following is an entry in ClinVar:

ClinVar aggregate classification (germline): Uncertain significance (1 of 4 stars; one submission).

gnomAD v4.1: 3 of 1,613,910 alleles (0.00019%); highest among the groups gnomAD compares: South Asian, 0.0022%; no homozygotes.

Submission:

GeneDx
Classification: Uncertain significance. Last evaluated: 2023-11-15. Review status: criteria provided, single submitter. Criteria: GeneDx Variant Classification Process June 2021. Collection method: clinical testing. Allele origin: germline. Affected: yes.
Comment: In silico analysis supports that this missense variant does not alter protein structure/function; Has not been previously published as pathogenic or benign to our knowledge

NM_006005.3(WFS1):c.1307C>G (p.Thr436Ser)

Gene: WFS1 (wolframin ER transmembrane glycoprotein; plus strand). Cytogenetic location: 4p16.1.
Variant type: single nucleotide variant.
Coding change: c.1307C>G on transcript NM_006005.3 (MANE Select); coding-DNA position 1307, C replaced by G.
Protein change: p.Thr436Ser; replaces threonine 436 with serine.
Molecular consequence: missense variant.
Genome position (GRCh38, 1-based): chr4:6,301,102, C>G. VCF-style: chr4-6301102-C-G. GRCh37 (hg19) VCF-style: chr4-6302829-C-G.
Other names: c.1307C>G, p.Thr436Ser (NM_001145853.1); short protein forms T436S.
Identifiers: ClinVar variation 3363700 (VCV003363700.1).
Genomic context (GRCh38, chr4:6,301,102, plus strand): 5'-TCTTCTCCTTCCCCATCGCCAGCAAGGACTGCATCCCCTGCTCGGAGCTGGCTGTCATCA[C>G]CGGCTTCTTTACCGTGACCAGCTACCTGAGCCTGAGCACCCATGCAGAGCCCTACACGCG-3'
Protein context (NP_005996.2, residues 426-446): CIPCSELAVI[Thr436Ser]GFFTVTSYLS